The following is an entry in ClinVar:

ClinVar aggregate classification (germline): Benign (1 of 4 stars; one submission).

Conditions:
CBL-related disorder. Also called: NOONAN SYNDROME-LIKE DISORDER WITHOUT JUVENILE MYELOMONOCYTIC LEUKEMIA; CBL MUTATION-ASSOCIATED SYNDROME; CBL SYNDROME. Identifiers: Orphanet 363972, MedGen C3150803, MONDO:0013308, OMIM 613563.

Allele frequency attached by ClinVar (database versions not stated): gnomAD 0.00020 and 0.00021; TOPMed 0.00025; gnomAD exomes 0.00040; 1000 Genomes Project 0.00060; 1000 Genomes Project 30x 0.00062.
gnomAD v4.1: 130 of 398,664 alleles (0.033%); highest among the groups gnomAD compares: East Asian, 0.21%; 1 homozygote.

Submission:

Illumina Laboratory Services, Illumina
Classification: Benign for CBL-related disorder. Last evaluated: 2018-01-12. Review status: criteria provided, single submitter. Criteria: ICSL Variant Classification Criteria 13 December 2019. Collection method: clinical testing. Allele origin: germline.
Comment: This variant was observed in the ICSL laboratory as part of a predisposition screen in an ostensibly healthy population. It had not been previously curated by ICSL or reported in the Human Gene Mutation Database (HGMD: prior to June 1st, 2018), and was therefore a candidate for classification through an automated scoring system. Utilizing variant allele frequency, disease prevalence and penetrance estimates, and inheritance mode, an automated score was calculated to assess if this variant is too frequent to cause the disease. Based on the score and internal cut-off values, a variant classified as benign is not then subjected to further curation. The score for this variant resulted in a classification of benign for this disease.

NM_005188.4(CBL):c.*6542T>G

Gene: CBL (Cbl proto-oncogene; plus strand). Cytogenetic location: 11q23.3.
Variant type: single nucleotide variant.
Coding change: c.*6542T>G on transcript NM_005188.4 (MANE Select); 6542 bases downstream of the stop codon, T replaced by G.
Molecular consequence: 3 prime UTR variant.
Genome position (GRCh38, 1-based): chr11:119,306,323, T>G. VCF-style: chr11-119306323-T-G. GRCh37 (hg19) VCF-style: chr11-119177033-T-G.
Identifiers: ClinVar variation 302886 (VCV000302886.5), dbSNP rs550863116, ClinGen allele CA10637422.